The following is an entry in ClinVar:

ClinVar aggregate classification (germline): Benign/Likely benign. Review status: criteria provided, multiple submitters, no conflicts (2 of 4 stars). 8 submissions from 8 submitters: Benign (1); Likely benign (7). Last evaluated 2026-01-26.

Conditions:
Pelviscapular dysplasia. Identifiers: Orphanet 93333, MedGen C1850040, MONDO:0009845, OMIM 260660.

Allele frequency attached by ClinVar (database versions not stated): gnomAD exomes 0.00026 and 0.00059; ExAC 0.00079; 1000 Genomes Project 30x 0.00156; 1000 Genomes Project 0.00180; gnomAD 0.00190 and 0.00196; TOPMed 0.00212; ESP Exome Variant Server 0.00269.
gnomAD v4.1: 719 of 1,613,966 alleles (0.045%); highest among the groups gnomAD compares: African/African-American, 0.71%; 2 homozygotes.

Submissions (8):

Labcorp Genetics (formerly Invitae), Labcorp
Classification: Benign. Last evaluated: 2026-01-26. Review status: criteria provided, single submitter. Criteria: Invitae Variant Classification Sherloc (09022015). Collection method: clinical testing. Allele origin: germline.

Blueprint Genetics
Classification: Likely benign. Last evaluated: 2024-09-23. Review status: criteria provided, single submitter. Criteria: ACMG Guidelines, 2015. Collection method: clinical testing. Allele origin: germline.

Genome-Nilou Lab
Classification: Likely benign for Pelviscapular dysplasia. Last evaluated: 2023-04-11. Review status: criteria provided, single submitter. Criteria: ACMG Guidelines, 2015. Collection method: clinical testing. Allele origin: germline. Affected: no.

CeGaT Center for Human Genetics Tuebingen
Classification: Likely benign. Last evaluated: 2022-06-01. Review status: criteria provided, single submitter. Criteria: CeGaT Center For Human Genetics Tuebingen Variant Classification Criteria Version 2. Collection method: clinical testing. Allele origin: germline. Affected: yes. Observed: 1 variant allele.
Comment: TBX15: BP4, BP7

Genetic Services Laboratory, University of Chicago
Classification: Likely benign. Last evaluated: 2021-12-10. Review status: criteria provided, single submitter. Criteria: ACMG Guidelines, 2015. Collection method: clinical testing. Allele origin: germline. Affected: no.

GeneDx
Classification: Likely benign. Last evaluated: 2019-10-29. Review status: criteria provided, single submitter. Criteria: GeneDx Variant Classification Process June 2021. Collection method: clinical testing. Allele origin: germline. Affected: yes.
Comment: Nucleotide substitution has no predicted effect on splicing and is not conserved across species; Has not been previously published as pathogenic or benign to our knowledge

Eurofins Ntd Llc (ga)
Classification: Likely benign. Last evaluated: 2017-07-24. Review status: criteria provided, single submitter. Criteria: EGL Classification Definitions 2015. Collection method: clinical testing. Allele origin: germline. Observed: 1 variant allele, 1 heterozygote.

Breakthrough Genomics
Classification: Likely benign. Review status: criteria provided, single submitter. Criteria: ACMG Guidelines, 2015. Collection method: not provided. Allele origin: germline. Inheritance: Autosomal recessive inheritance. Affected: yes.

NM_001330677.2(TBX15):c.837A>G (p.Thr279=)

Gene: TBX15 (T-box transcription factor 15; minus strand). Cytogenetic location: 1p12.
Variant type: single nucleotide variant.
Coding change: c.837A>G on transcript NM_001330677.2 (MANE Select); coding-DNA position 837, A replaced by G.
Protein change: p.Thr279=; no amino-acid change (threonine 279 retained).
Molecular consequence: synonymous variant.
Genome position (GRCh38, 1-based): chr1:118,923,460, T>C on the plus strand (A>G on the coding strand, the complement: TBX15 is on the minus strand). VCF-style: chr1-118923460-T-C. GRCh37 (hg19) VCF-style: chr1-119466083-T-C.
Other names: c.519A>G, p.Thr173= (NM_152380.3).
Identifiers: ClinVar variation 593097 (VCV000593097.48), dbSNP rs140670116, ClinGen allele CA1034995.